The following is an entry in ClinVar:

ClinVar aggregate classification (germline): Likely benign. Review status: criteria provided, multiple submitters, no conflicts (2 of 4 stars). 2 submissions from 2 submitters: Likely benign (2). Last evaluated 2024-11-19.

Conditions:
Brain small vessel disease 2A, autosomal dominant. Also called: Porencephaly 2. Identifiers: Orphanet 2940, Orphanet 99810, MedGen C3280970, MONDO:0013773, OMIM 614483.

Allele frequency attached by ClinVar (database versions not stated): gnomAD exomes below 0.00001 and 0.00001; gnomAD 0.00001; TOPMed 0.00001; ExAC 0.00002.
gnomAD v4.1: 20 of 1,612,622 alleles (0.0012%); highest among the groups gnomAD compares: Middle Eastern, 0.082%; 1 homozygote.

Submissions (2):

Blueprint Genetics
Classification: Likely benign. Last evaluated: 2024-11-19. Review status: criteria provided, single submitter. Criteria: ACMG Guidelines, 2015. Collection method: clinical testing. Allele origin: germline.

Illumina Laboratory Services, Illumina
Classification: Likely benign for Brain small vessel disease 2A, autosomal dominant. Last evaluated: 2018-01-12. Review status: criteria provided, single submitter. Criteria: ICSL Variant Classification Criteria 13 December 2019. Collection method: clinical testing. Allele origin: germline.
Comment: This variant was observed in the ICSL laboratory as part of a predisposition screen in an ostensibly healthy population. It had not been previously curated by ICSL or reported in the Human Gene Mutation Database (HGMD: prior to June 1st, 2018), and was therefore a candidate for classification through an automated scoring system. Utilizing variant allele frequency, disease prevalence and penetrance estimates, and inheritance mode, an automated score was calculated to assess if this variant is too frequent to cause the disease. Based on the score and internal cut-off values, a variant classified as likely benign is not then subjected to further curation. The score for this variant resulted in a classification of likely benign for this disease.

NM_001846.4(COL4A2):c.1053C>T (p.Tyr351=)

Gene: COL4A2 (collagen type IV alpha 2 chain; plus strand). Cytogenetic location: 13q34.
Variant type: single nucleotide variant.
Coding change: c.1053C>T on transcript NM_001846.4 (MANE Select); coding-DNA position 1053, C replaced by T.
Protein change: p.Tyr351=; no amino-acid change (tyrosine 351 retained).
Molecular consequence: synonymous variant.
Genome position (GRCh38, 1-based): chr13:110,446,839, C>T. VCF-style: chr13-110446839-C-T. GRCh37 (hg19) VCF-style: chr13-111099186-C-T.
Identifiers: ClinVar variation 882724 (VCV000882724.5), dbSNP rs768513619, ClinGen allele CA7049299.
Genomic context (GRCh38, chr13:110,446,839, plus strand): 5'-TTCTCTTTTCTTTCTCTAGGGAGAAGCCGGAGACCCAGGGCCCCCTGGACTACCTGCCTA[C>T]TCCCCTCACCCTTCCCTAGCAAAAGGTGTGTGAACAATTTCACCTGCATAGTTCAGCATC-3'
Protein context (NP_001837.2, residues 341-361): GDPGPPGLPA[Tyr351=]SPHPSLAKGA